The following is an entry in ClinVar:

ClinVar aggregate classification (germline): Uncertain significance. Review status: criteria provided, multiple submitters, no conflicts (2 of 4 stars). 2 submissions from 2 submitters: Uncertain significance (2). Last evaluated 2022-04-28.

Conditions:
Hereditary cancer-predisposing syndrome. Also called: Tumor predisposition; Hereditary neoplastic syndrome; Neoplastic Syndromes, Hereditary; Hereditary Cancer Syndrome. Identifiers: Orphanet 140162, MedGen C0027672, MeSH D009386, MONDO:0015356.
Gastrointestinal stromal tumor. Also called: Gastrointestinal stroma tumor; Gastrointestinal stromal tumor, somatic. Identifiers: Orphanet 44890, MedGen C0238198, MeSH D046152, MONDO:0011719, OMIM 606764, HP:0100723.

Allele frequency attached by ClinVar (database versions not stated): gnomAD exomes below 0.00001.
gnomAD v4.1: 3 of 1,614,034 alleles (0.00019%); highest among the groups gnomAD compares: Non-Finnish European, 0.00025%; no homozygotes.

Submissions (2):

Labcorp Genetics (formerly Invitae), Labcorp
Classification: Uncertain significance for Gastrointestinal stromal tumor. Last evaluated: 2022-04-28. Review status: criteria provided, single submitter. Criteria: Invitae Variant Classification Sherloc (09022015). Collection method: clinical testing. Allele origin: germline.
Comment: In summary, the available evidence is currently insufficient to determine the role of this variant in disease. Therefore, it has been classified as a Variant of Uncertain Significance. This sequence change replaces arginine, which is basic and polar, with lysine, which is basic and polar, at codon 1011 of the PDGFRA protein (p.Arg1011Lys). This variant is not present in population databases (gnomAD no frequency). This variant has not been reported in the literature in individuals affected with PDGFRA-related conditions. ClinVar contains an entry for this variant (Variation ID: 459080). Algorithms developed to predict the effect of missense changes on protein structure and function are either unavailable or do not agree on the potential impact of this missense change (SIFT: "Deleterious"; PolyPhen-2: "Possibly Damaging"; Align-GVGD: "Class C0").

Ambry Genetics
Classification: Uncertain significance for Hereditary cancer-predisposing syndrome. Last evaluated: 2022-04-22. Review status: criteria provided, single submitter. Criteria: Ambry Variant Classification Scheme 2023. Collection method: clinical testing. Allele origin: germline.
Comment: The p.R1011K variant (also known as c.3032G>A), located in coding exon 21 of the PDGFRA gene, results from a G to A substitution at nucleotide position 3032. The arginine at codon 1011 is replaced by lysine, an amino acid with highly similar properties. This amino acid position is conserved. In addition, the in silico prediction for this alteration is inconclusive. Since supporting evidence is limited at this time, the clinical significance of this alteration remains unclear.

NM_006206.6(PDGFRA):c.3032G>A (p.Arg1011Lys)

Gene: PDGFRA (platelet derived growth factor receptor alpha; plus strand). Cytogenetic location: 4q12.
Variant type: single nucleotide variant.
Coding change: c.3032G>A on transcript NM_006206.6 (MANE Select); coding-DNA position 3032, G replaced by A.
Protein change: p.Arg1011Lys; replaces arginine 1011 with lysine.
Molecular consequence: missense variant.
Genome position (GRCh38, 1-based): chr4:54,290,464, G>A. VCF-style: chr4-54290464-G-A. GRCh37 (hg19) VCF-style: chr4-55156631-G-A.
Other names: c.3107G>A, p.Arg1036Lys (NM_001347828.2); c.3032G>A, p.Arg1011Lys (NM_001347829.2); c.3071G>A, p.Arg1024Lys (NM_001347830.2); short protein forms R1011K, R1024K, R1036K.
Identifiers: ClinVar variation 459080 (VCV000459080.11), dbSNP rs1553906650, ClinGen allele CA356896232.